The following is an entry in ClinVar:

ClinVar aggregate classification (germline): Pathogenic (1 of 4 stars; one submission).

Conditions:
Holocarboxylase synthetase deficiency. Also called: MULTIPLE CARBOXYLASE DEFICIENCY, EARLY ONSET. Identifiers: Orphanet 79242, MedGen C0268581, MONDO:0009666, OMIM 253270.

Submission:

Labcorp Genetics (formerly Invitae), Labcorp
Classification: Pathogenic for Holocarboxylase synthetase deficiency. Last evaluated: 2022-06-12. Review status: criteria provided, single submitter. Criteria: Invitae Variant Classification Sherloc (09022015). Collection method: clinical testing. Allele origin: germline.
Comment: For these reasons, this variant has been classified as Pathogenic. This variant has not been reported in the literature in individuals affected with HLCS-related conditions. This variant is not present in population databases (gnomAD no frequency). This sequence change creates a premature translational stop signal (p.Tyr387Leufs*34) in the HLCS gene. It is expected to result in an absent or disrupted protein product. Loss-of-function variants in HLCS are known to be pathogenic (PMID: 16134170).

Literature cited by the submitters: PubMed 16134170.

NM_001352514.2(HLCS):c.1599_1600del (p.Tyr534fs)

Gene: HLCS (holocarboxylase synthetase; minus strand). Cytogenetic location: 21q22.13.
Variant type: Deletion.
Coding change: c.1599_1600del on transcript NM_001352514.2 (MANE Select); coding-DNA positions 1599 to 1600, 2 bases deleted (TT; older notation c.1599_1600delTT).
Protein change: p.Tyr534fs; shifts the reading frame from tyrosine 534.
Molecular consequence: frameshift variant. On other transcripts: non-coding transcript variant (2).
Genome position (GRCh38, 1-based): chr21:36,930,271-36,930,272, AA deleted on the plus strand (TT on the coding strand, the reverse complement: HLCS is on the minus strand); deleting any 2 consecutive bases within chr21:36,930,271-36,930,273 gives the same sequence; the c. name uses the placement nearest the transcript's 3' end. VCF-style (leftmost placement, unchanged base first): chr21-36930270-TAA-T. GRCh37 (hg19) VCF-style: chr21-38302570-TAA-T.
Other names: c.1158_1159del, p.Tyr387fs (NM_000411.8, NM_001242784.3, NM_001242785.2 and 4 more transcripts); short protein forms Y534fs, Y387fs.
Identifiers: ClinVar variation 2153897 (VCV002153897.4), dbSNP rs2066578388, ClinGen allele CA2388234094.